The following is an entry in ClinVar:

NM_001382391.1(CSPP1):c.2276G>A (p.Arg759Gln)

Gene: CSPP1 (centrosome and spindle pole associated protein 1; plus strand). Cytogenetic location: 8q13.2.
Variant type: single nucleotide variant.
Coding change: c.2276G>A on transcript NM_001382391.1 (MANE Select); coding-DNA position 2276, G replaced by A.
Protein change: p.Arg759Gln; replaces arginine 759 with glutamine.
Molecular consequence: missense variant.
Genome position (GRCh38, 1-based): chr8:67,158,481, G>A. VCF-style: chr8-67158481-G-A. GRCh37 (hg19) VCF-style: chr8-68070716-G-A.
Other names: c.1226G>A, p.Arg409Gln (NM_001291339.2); c.2195G>A, p.Arg732Gln (NM_001363131.2); c.2081G>A, p.Arg694Gln (NM_001363132.2); c.2000G>A, p.Arg667Gln (NM_001363133.2); c.2342G>A, p.Arg781Gln (NM_001364869.1); c.2162G>A, p.Arg721Gln (NM_001364870.1); c.2261G>A, p.Arg754Gln (NM_024790.7); short protein forms R409Q, R754Q, R721Q, R732Q, R781Q, R667Q, R694Q, R759Q.
Identifiers: ClinVar variation 1438317 (VCV001438317.6), dbSNP rs763911288, ClinGen allele CA4770798.
Genomic context (GRCh38, chr8:67,158,481, plus strand): 5'-ATAAATAACTAAGTTTAATTCTTTAGATTGAGGAAAAGAAACAAAGAGAGGAAGCAGAGC[G>A]AGAGAGACTGAGAATTGCAGAAGAAAAAGAAGAAAGACGGCTTGCAGAACAGAGGGCACG-3'
Protein context (NP_001369320.1, residues 749-769): EEKKQREEAE[Arg759Gln]ERLRIAEEKE

ClinVar aggregate classification (germline): Uncertain significance (1 of 4 stars; one submission).

Conditions:
Joubert syndrome 21 (JBTS21). Identifiers: MedGen C3810212, MONDO:0014288, OMIM 615636.

Allele frequency attached by ClinVar (database versions not stated): gnomAD exomes 0.00001 and 0.00003; ExAC 0.00002; gnomAD 0.00003; TOPMed 0.00006.
gnomAD v4.1: 51 of 1,612,568 alleles (0.0032%); highest among the groups gnomAD compares: Middle Eastern, 0.016%; no homozygotes.

Submission:

Labcorp Genetics (formerly Invitae), Labcorp
Classification: Uncertain significance for Joubert syndrome 21. Last evaluated: 2024-11-05. Review status: criteria provided, single submitter. Criteria: Invitae Variant Classification Sherloc (09022015). Collection method: clinical testing. Allele origin: germline.
Comment: This sequence change replaces arginine, which is basic and polar, with glutamine, which is neutral and polar, at codon 754 of the CSPP1 protein (p.Arg754Gln). This variant is present in population databases (rs763911288, gnomAD 0.007%). This variant has not been reported in the literature in individuals affected with CSPP1-related conditions. ClinVar contains an entry for this variant (Variation ID: 1438317). An algorithm developed to predict the effect of missense changes on protein structure and function (PolyPhen-2) suggests that this variant is likely to be disruptive. In summary, the available evidence is currently insufficient to determine the role of this variant in disease. Therefore, it has been classified as a Variant of Uncertain Significance.